The following is an entry in ClinVar:

NM_001267550.2(TTN):c.57865G>T (p.Glu19289Ter)

Genes: TTN (titin; minus strand), TTN-AS1 (TTN antisense RNA 1; plus strand). Cytogenetic location: 2q31.2.
Variant type: single nucleotide variant.
Coding change: c.57865G>T on transcript NM_001267550.2 (MANE Select); coding-DNA position 57865, G replaced by T.
Protein change: p.Glu19289Ter; replaces glutamic acid 19289 with a stop codon.
Molecular consequence: nonsense.
Genome position (GRCh38, 1-based): chr2:178,594,629, C>A on the plus strand (G>T on the coding strand, the complement: TTN is on the minus strand). VCF-style: chr2-178594629-C-A. GRCh37 (hg19) VCF-style: chr2-179459356-C-A.
Other names: c.52942G>T, p.Glu17648Ter (NM_001256850.1); c.30670G>T, p.Glu10224Ter (NM_003319.4); c.50161G>T, p.Glu16721Ter (NM_133378.4); c.31045G>T, p.Glu10349Ter (NM_133432.3); c.31246G>T, p.Glu10416Ter (NM_133437.4); short protein forms E10349*, E10416*, E16721*, E19289*, E10224*, E17648*.
Identifiers: ClinVar variation 3330136 (VCV003330136.1).
Genomic context (GRCh38, chr2:178,594,629, plus strand): 5'-TAGGAGGATTCCAAGTCAAAGTTACAGTATTTTTAGTAACTTCTTTGACTTCCAGGTCTT[C>A]AGGACGCTCTGGTACAGCTGCGAATATAAGTATAGGAATTGTGGTAGAAAAAAATGTCAC-3'

ClinVar aggregate classification (germline): Likely pathogenic (1 of 4 stars; one submission).

Conditions:
Cardiovascular phenotype. Identifiers: MedGen CN230736.

Submission:

Ambry Genetics
Classification: Likely pathogenic for Cardiovascular phenotype. Last evaluated: 2024-06-18. Review status: criteria provided, single submitter. Criteria: Ambry Variant Classification Scheme 2023. Collection method: clinical testing. Allele origin: germline.
Comment: The p.E10224* variant (also known as c.30670G>T), located in coding exon 123 of the TTN gene, results from a G to T substitution at nucleotide position 30670. This changes the amino acid from a glutamic acid to a stop codon within coding exon 123. This exon is located in the A-band region of the N2-B isoform of the titin protein and is constitutively expressed in TTN transcripts (percent spliced in or PSI 100%). This variant is considered to be rare based on population cohorts in the Genome Aggregation Database (gnomAD). This alteration is expected to result in loss of function by premature protein truncation or nonsense-mediated mRNA decay. While truncating variants in TTN are present in 1-3% of the general population, truncating variants in the A-band are the most common cause of dilated cardiomyopathy (DCM) (Herman DS et al. N. Engl. J. Med., 2012 Feb;366:619-28; Roberts AM et al. Sci Transl Med, 2015 Jan;7:270ra6). TTN truncating variants encoded in constitutive exons (PSI >90%) have been found to be significantly associated with DCM regardless of their position in titin (Schafer S et al. Nat. Genet., 2017 01;49:46-53). Based on the majority of available evidence to date, this variant is likely to be pathogenic.